The following is an entry in ClinVar:

ClinVar aggregate classification (germline): Conflicting classifications of pathogenicity. Review status: criteria provided, conflicting classifications (1 of 4 stars). 3 submissions from 3 submitters: Uncertain significance (2); Likely benign (1). Last evaluated 2025-11-03.

Conditions:
Wagner disease. Also called: WAGNER VITREORETINOPATHY; Wagner Vitreoretinal Degeneration (Wagner Synrdome); Wagner syndrome; HYALOIDEORETINAL DEGENERATION OF WAGNER; WAGNER SYNDROME 1; WAGNER VITREORETINAL DEGENERATION. Identifiers: Orphanet 898, MedGen C1840452, MONDO:0007740, OMIM 143200.

Allele frequency attached by ClinVar (database versions not stated): gnomAD 0.00001; TOPMed 0.00001; gnomAD exomes 0.00002; ExAC 0.00004.
gnomAD v4.1: 25 of 1,613,910 alleles (0.0015%); highest among the groups gnomAD compares: Non-Finnish European, 0.002%; no homozygotes.

Submissions (3):

Labcorp Genetics (formerly Invitae), Labcorp
Classification: Uncertain significance. Last evaluated: 2025-11-03. Review status: criteria provided, single submitter. Criteria: Invitae Variant Classification Sherloc (09022015). Collection method: clinical testing. Allele origin: germline.
Comment: This sequence change replaces arginine, which is basic and polar, with lysine, which is basic and polar, at codon 625 of the VCAN protein (p.Arg625Lys). This variant is present in population databases (rs779485029, gnomAD 0.004%). This variant has not been reported in the literature in individuals affected with VCAN-related conditions. ClinVar contains an entry for this variant (Variation ID: 1050969). An algorithm developed to predict the effect of missense changes on protein structure and function outputs the following: PolyPhen-2: "Benign". The lysine amino acid residue is found in multiple mammalian species, which suggests that this missense change does not adversely affect protein function. In summary, the available evidence is currently insufficient to determine the role of this variant in disease. Therefore, it has been classified as a Variant of Uncertain Significance.

Blueprint Genetics
Classification: Likely benign. Last evaluated: 2023-07-17. Review status: criteria provided, single submitter. Criteria: ACMG Guidelines, 2015. Collection method: clinical testing. Allele origin: germline.

ARUP Laboratories, Molecular Genetics and Genomics, ARUP Laboratories
Classification: Uncertain significance for Wagner disease. Last evaluated: 2022-05-04. Review status: criteria provided, single submitter. Criteria: ARUP Molecular Germline Variant Investigation Process 2021. Collection method: clinical testing. Allele origin: germline.
Comment: The VCAN c.1874G>A; p.Arg625Lys variant (rs779485029) to our knowledge, is not reported in the medical literature but is reported in ClinVar (Variation ID: 1050969). This variant is found in the general population with an overall allele frequency of 0.002% (5/249710 alleles) in the Genome Aggregation Database. The arginine at codon 625 is weakly conserved, and computational analyses predict that this variant is neutral (REVEL: 0.087). However, due to limited information, the clinical significance of this variant is uncertain at this time.

NM_004385.5(VCAN):c.1874G>A (p.Arg625Lys)

Gene: VCAN (versican; plus strand). Cytogenetic location: 5q14.3.
Variant type: single nucleotide variant.
Coding change: c.1874G>A on transcript NM_004385.5 (MANE Select); coding-DNA position 1874, G replaced by A.
Protein change: p.Arg625Lys; replaces arginine 625 with lysine.
Molecular consequence: missense variant. On other transcripts: intron variant (2).
Genome position (GRCh38, 1-based): chr5:83,520,180, G>A. VCF-style: chr5-83520180-G-A. GRCh37 (hg19) VCF-style: chr5-82815999-G-A.
Other names: c.1874G>A, p.Arg625Lys (NM_001164098.2); c.1042+7784G>A (NM_001164097.2, NM_001126336.3); short protein forms R625K.
Identifiers: ClinVar variation 1050969 (VCV001050969.10), dbSNP rs779485029, ClinGen allele CA3332741.